The following is an entry in ClinVar:

NM_173543.3(DZIP1L):c.2089T>G (p.Phe697Val)

Gene: DZIP1L (DAZ interacting zinc finger protein 1 like; minus strand). Cytogenetic location: 3q22.3.
Variant type: single nucleotide variant.
Coding change: c.2089T>G on transcript NM_173543.3 (MANE Select); coding-DNA position 2089, T replaced by G.
Protein change: p.Phe697Val; replaces phenylalanine 697 with valine.
Molecular consequence: missense variant.
Genome position (GRCh38, 1-based): chr3:138,064,681, A>C on the plus strand (T>G on the coding strand, the complement: DZIP1L is on the minus strand). VCF-style: chr3-138064681-A-C. GRCh37 (hg19) VCF-style: chr3-137783523-A-C.
Other names: c.2089T>G (NM_173543.2); short protein forms F697V.
Identifiers: ClinVar variation 1991762 (VCV001991762.5), dbSNP rs758382573, ClinGen allele CA2634679.

ClinVar aggregate classification (germline): Uncertain significance. Review status: criteria provided, multiple submitters, no conflicts (2 of 4 stars). 2 submissions from 2 submitters: Uncertain significance (2). Last evaluated 2024-11-28.

Conditions:
Inborn genetic diseases. Identifiers: MedGen C0950123, MeSH D030342.

Allele frequency attached by ClinVar (database versions not stated): gnomAD exomes below 0.00001; TOPMed 0.00001; ExAC 0.00002.
gnomAD v4.1: 5 of 1,614,156 alleles (0.00031%); highest among the groups gnomAD compares: Admixed American, 0.005%; no homozygotes.

Submissions (2):

Ambry Genetics
Classification: Uncertain significance for Inborn genetic diseases. Last evaluated: 2024-11-28. Review status: criteria provided, single submitter. Criteria: Ambry Variant Classification Scheme 2023. Collection method: clinical testing. Allele origin: germline.

Labcorp Genetics (formerly Invitae), Labcorp
Classification: Uncertain significance. Last evaluated: 2022-07-27. Review status: criteria provided, single submitter. Criteria: Invitae Variant Classification Sherloc (09022015). Collection method: clinical testing. Allele origin: germline.
Comment: This sequence change replaces phenylalanine, which is neutral and non-polar, with valine, which is neutral and non-polar, at codon 697 of the DZIP1L protein (p.Phe697Val). This variant is present in population databases (rs758382573, gnomAD 0.009%). This variant has not been reported in the literature in individuals affected with DZIP1L-related conditions. Algorithms developed to predict the effect of missense changes on protein structure and function (SIFT, PolyPhen-2, Align-GVGD) all suggest that this variant is likely to be tolerated. Algorithms developed to predict the effect of sequence changes on RNA splicing suggest that this variant may disrupt the consensus splice site. In summary, the available evidence is currently insufficient to determine the role of this variant in disease. Therefore, it has been classified as a Variant of Uncertain Significance.